The following is an entry in ClinVar:

NM_172107.4(KCNQ2):c.2242del (p.His748fs)

Gene: KCNQ2 (potassium voltage-gated channel subfamily Q member 2; minus strand). Cytogenetic location: 20q13.33.
Variant type: Deletion.
Coding change: c.2242del on transcript NM_172107.4 (MANE Select); coding-DNA position 2242, one base deleted (C; older notation c.2242delC).
Protein change: p.His748fs; shifts the reading frame from histidine 748.
Molecular consequence: frameshift variant.
Genome position (GRCh38, 1-based): chr20:63,407,021, G deleted on the plus strand (C on the coding strand, the reverse complement: KCNQ2 is on the minus strand); the first of 3 consecutive G bases (chr20:63,407,021-63,407,023); deleting any one gives the same sequence. VCF-style (leftmost placement, unchanged base first): chr20-63407020-TG-T. GRCh37 (hg19) VCF-style: chr20-62038373-TG-T.
Other names: c.2296del, p.His766fs (NM_001382235.1); c.2158del, p.His720fs (NM_004518.6); c.2188del, p.His730fs (NM_172106.3); c.2149del, p.His717fs (NM_172108.5); short protein forms H717fs, H720fs, H730fs, H766fs, H748fs.
Identifiers: ClinVar variation 2012783 (VCV002012783.4), dbSNP rs2516098402, ClinGen allele CA2580098412.

ClinVar aggregate classification (germline): Pathogenic (1 of 4 stars; one submission).

Conditions:
Early-infantile DEE. Also called: Early infantile epileptic encephalopathy; Ohtahara syndrome; Early infantile epileptic encephalopathy with suppression bursts. Identifiers: Orphanet 1934, MedGen C0393706, MONDO:0800491.

Submission:

Labcorp Genetics (formerly Invitae), Labcorp
Classification: Pathogenic for Early-infantile DEE. Last evaluated: 2022-07-01. Review status: criteria provided, single submitter. Criteria: Invitae Variant Classification Sherloc (09022015). Collection method: clinical testing. Allele origin: germline.
Comment: For these reasons, this variant has been classified as Pathogenic. This variant disrupts a region of the KCNQ2 protein in which other variant(s) (p.Lys829Serfs*35) have been determined to be pathogenic (Invitae). This suggests that this is a clinically significant region of the protein, and that variants that disrupt it are likely to be disease-causing. This variant has not been reported in the literature in individuals affected with KCNQ2-related conditions. This variant is not present in population databases (gnomAD no frequency). This sequence change results in a frameshift in the KCNQ2 gene (p.His748Thrfs*182). While this is not anticipated to result in nonsense mediated decay, it is expected to disrupt the last 125 amino acid(s) of the KCNQ2 protein and extend the protein by 56 additional amino acid residues.